The following is an entry in ClinVar:

ClinVar aggregate classification (germline): Benign/Likely benign. Review status: criteria provided, multiple submitters, no conflicts (2 of 4 stars). 3 submissions from 3 submitters: Benign (1); Likely benign (2). Last evaluated 2026-06-24.

Conditions:
Retinoblastoma (RB1). Also called: RETINOBLASTOMA, SOMATIC. Identifiers: Orphanet 790, MedGen C0035335, MeSH D012175, MONDO:0008380, OMIM 180200, HP:0009919. Disease mechanism: loss of function. Inheritance: Both sporadic and heritable forms are tested..
Hereditary cancer-predisposing syndrome. Also called: Neoplastic Syndromes, Hereditary; Tumor predisposition; Hereditary Cancer Syndrome; Hereditary neoplastic syndrome. Identifiers: Orphanet 140162, MedGen C0027672, MeSH D009386, MONDO:0015356.

gnomAD v4.1: 1 of 1,352,192 alleles (0.000074%); no homozygotes.

Submissions (3):

Myriad Genetics, Inc.
Classification: Benign for Retinoblastoma. Last evaluated: 2026-06-24. Review status: criteria provided, single submitter. Criteria: Myriad Autosomal Dominant, Autosomal Recessive and X-Linked Classification Criteria (2023). Collection method: clinical testing. Allele origin: unknown.
Comment: This variant is considered benign. This variant is a silent/synonymous amino acid change and it is not expected to impact splicing.

Ambry Genetics
Classification: Likely benign for Hereditary cancer-predisposing syndrome. Last evaluated: 2023-11-30. Review status: criteria provided, single submitter. Criteria: Ambry Variant Classification Scheme 2023. Collection method: clinical testing. Allele origin: germline.

Labcorp Genetics (formerly Invitae), Labcorp
Classification: Likely benign for Retinoblastoma. Last evaluated: 2023-04-24. Review status: criteria provided, single submitter. Criteria: Invitae Variant Classification Sherloc (09022015). Collection method: clinical testing. Allele origin: germline.

NM_000321.3(RB1):c.1407C>T (p.Ser469=)

Gene: RB1 (RB transcriptional corepressor 1; plus strand). Cytogenetic location: 13q14.2.
Variant type: single nucleotide variant.
Coding change: c.1407C>T on transcript NM_000321.3 (MANE Select); coding-DNA position 1407, C replaced by T.
Protein change: p.Ser469=; no amino-acid change (serine 469 retained).
Molecular consequence: synonymous variant.
Genome position (GRCh38, 1-based): chr13:48,380,070, C>T. VCF-style: chr13-48380070-C-T. GRCh37 (hg19) VCF-style: chr13-48954206-C-T.
Other names: c.1407C>T, p.Ser469= (NM_001407165.1, NM_001407166.1).
Identifiers: ClinVar variation 2042916 (VCV002042916.6), dbSNP rs2138142289, ClinGen allele CA483559256.